The following is an entry in ClinVar:

NM_001031689.3(PLAA):c.1717T>C (p.Leu573=)

Gene: PLAA (phospholipase A2 activating protein; minus strand). Cytogenetic location: 9p21.2.
Variant type: single nucleotide variant.
Coding change: c.1717T>C on transcript NM_001031689.3 (MANE Select); coding-DNA position 1717, T replaced by C.
Protein change: p.Leu573=; no amino-acid change (leucine 573 retained).
Molecular consequence: synonymous variant.
Genome position (GRCh38, 1-based): chr9:26,907,939, A>G on the plus strand (T>C on the coding strand, the complement: PLAA is on the minus strand). VCF-style: chr9-26907939-A-G. GRCh37 (hg19) VCF-style: chr9-26907937-A-G.
Other names: c.1648T>C, p.Leu550= (NM_001321546.2); c.1717T>C (NM_001031689.2).
Identifiers: ClinVar variation 1164939 (VCV001164939.11), dbSNP rs141800509, ClinGen allele CA5014239.

ClinVar aggregate classification (germline): Benign. Review status: criteria provided, single submitter (1 of 4 stars). 2 submissions from 2 submitters: Benign (1). 1 of the submissions does not count toward it. Last evaluated 2026-01-28.

Conditions:
PLAA-related disorder. Also called: PLAA-related condition.

Allele frequency attached by ClinVar (database versions not stated): gnomAD exomes 0.00010 and 0.00023; ExAC 0.00033; gnomAD 0.00114 and 0.00120; ESP Exome Variant Server 0.00115; TOPMed 0.00119; 1000 Genomes Project 0.00120; 1000 Genomes Project 30x 0.00125.
gnomAD v4.1: 321 of 1,610,206 alleles (0.02%); highest among the groups gnomAD compares: African/African-American, 0.41%; 2 homozygotes.

Submissions (2):

Labcorp Genetics (formerly Invitae), Labcorp
Classification: Benign. Last evaluated: 2026-01-28. Review status: criteria provided, single submitter. Criteria: Invitae Variant Classification Sherloc (09022015). Collection method: clinical testing. Allele origin: germline.

PreventionGenetics, part of Exact Sciences
Classification: Likely benign for PLAA-related condition. Last evaluated: 2023-01-24. Review status: no assertion criteria provided. Collection method: clinical testing. Allele origin: germline. Not counted in ClinVar's aggregate classification.
Comment: This variant is classified as likely benign based on ACMG/AMP sequence variant interpretation guidelines (Richards et al. 2015 PMID: 25741868, with internal and published modifications).